The following is an entry in ClinVar:

ClinVar aggregate classification (germline): Uncertain significance (1 of 4 stars; one submission).

gnomAD v4.1: 1 of 1,612,200 alleles (0.000062%); no homozygotes.

Submission:

Labcorp Genetics (formerly Invitae), Labcorp
Classification: Uncertain significance. Last evaluated: 2023-07-28. Review status: criteria provided, single submitter. Criteria: Invitae Variant Classification Sherloc (09022015). Collection method: clinical testing. Allele origin: germline.
Comment: In summary, the available evidence is currently insufficient to determine the role of this variant in disease. Therefore, it has been classified as a Variant of Uncertain Significance. An algorithm developed to predict the effect of missense changes on protein structure and function (PolyPhen-2) suggests that this variant is likely to be disruptive. This variant has not been reported in the literature in individuals affected with IKZF1-related conditions. This variant is not present in population databases (gnomAD no frequency). This sequence change replaces glutamic acid, which is acidic and polar, with lysine, which is basic and polar, at codon 401 of the IKZF1 protein (p.Glu401Lys).

NM_006060.6(IKZF1):c.1201G>A (p.Glu401Lys)

Gene: IKZF1 (IKAROS family zinc finger 1; plus strand). Cytogenetic location: 7p12.2.
Variant type: single nucleotide variant.
Coding change: c.1201G>A on transcript NM_006060.6 (MANE Select); coding-DNA position 1201, G replaced by A.
Protein change: p.Glu401Lys; replaces glutamic acid 401 with lysine.
Molecular consequence: missense variant.
Genome position (GRCh38, 1-based): chr7:50,400,268, G>A. VCF-style: chr7-50400268-G-A. GRCh37 (hg19) VCF-style: chr7-50467966-G-A.
Other names: c.742G>A, p.Glu248Lys (NM_001291842.1); c.646G>A, p.Glu216Lys (NM_001291843.1); c.616G>A, p.Glu206Lys (NM_001291844.1); c.1261G>A, p.Glu421Lys (NM_001410879.1); c.1075G>A, p.Glu359Lys (NM_001220765.3, NM_001291837.2); c.910G>A, p.Glu304Lys (NM_001220767.2); c.940G>A, p.Glu314Lys (NM_001220768.2, NM_001291838.2); c.784G>A, p.Glu262Lys (NM_001220770.2); and 3 more; short protein forms E206K, E216K, E258K, E314K, E304K, E359K, E248K, E262K.
Identifiers: ClinVar variation 2737719 (VCV002737719.3), dbSNP rs2153518753, ClinGen allele CA367524639.